The following is an entry in ClinVar:

ClinVar aggregate classification (germline): Uncertain significance. Review status: criteria provided, multiple submitters, no conflicts (2 of 4 stars). 2 submissions from 2 submitters: Uncertain significance (2). Last evaluated 2021-09-16.

Conditions:
Familial adenomatous polyposis 1 (FAP1). Also called: FAMILIAL ADENOMATOUS POLYPOSIS 1, ATTENUATED; POLYPOSIS, ADENOMATOUS INTESTINAL. Identifiers: MedGen C2713442, MONDO:0021056, OMIM 175100. Disease mechanism: loss of function.

Submissions (2):

MGZ Medical Genetics Center
Classification: Uncertain significance for Familial adenomatous polyposis 1. Last evaluated: 2021-09-16. Review status: criteria provided, single submitter. Criteria: ACMG Guidelines, 2015. Collection method: clinical testing. Allele origin: germline. Affected: yes. Observed: 1 variant allele.
Comment: ACMG criteria applied: PM2_SUP, PP3

Labcorp Genetics (formerly Invitae), Labcorp
Classification: Uncertain significance for Familial adenomatous polyposis 1. Last evaluated: 2021-06-15. Review status: criteria provided, single submitter. Criteria: Invitae Variant Classification Sherloc (09022015). Collection method: clinical testing. Allele origin: germline.
Comment: This sequence change replaces proline with arginine at codon 1091 of the APC protein (p.Pro1091Arg). The proline residue is moderately conserved and there is a moderate physicochemical difference between proline and arginine. In summary, the available evidence is currently insufficient to determine the role of this variant in disease. Therefore, it has been classified as a Variant of Uncertain Significance. Algorithms developed to predict the effect of missense changes on protein structure and function (SIFT, PolyPhen-2, Align-GVGD) all suggest that this variant is likely to be tolerated, but these predictions have not been confirmed by published functional studies and their clinical significance is uncertain. This variant has not been reported in the literature in individuals with APC-related conditions. This variant is not present in population databases (ExAC no frequency).

NM_000038.6(APC):c.3272C>G (p.Pro1091Arg)

Gene: APC (APC regulator of Wnt signaling pathway; plus strand). Cytogenetic location: 5q22.2.
Variant type: single nucleotide variant.
Coding change: c.3272C>G on transcript NM_000038.6 (MANE Select); coding-DNA position 3272, C replaced by G.
Protein change: p.Pro1091Arg; replaces proline 1091 with arginine.
Molecular consequence: missense variant.
Genome position (GRCh38, 1-based): chr5:112,838,866, C>G. VCF-style: chr5-112838866-C-G. GRCh37 (hg19) VCF-style: chr5-112174563-C-G.
Other names: c.3272C>G, p.Pro1091Arg (NM_001127510.3, NM_001354895.2); c.3218C>G, p.Pro1073Arg (NM_001127511.3); c.3326C>G, p.Pro1109Arg (NM_001354896.2); c.3302C>G, p.Pro1101Arg (NM_001354897.2); c.3197C>G, p.Pro1066Arg (NM_001354898.2); c.3188C>G, p.Pro1063Arg (NM_001354899.2); c.3149C>G, p.Pro1050Arg (NM_001354900.2); c.3095C>G, p.Pro1032Arg (NM_001354901.2); and 5 more; short protein forms P1066R, P1073R, P1091R, P1000R, P1063R, P1101R, P808R, P990R.
Identifiers: ClinVar variation 1361318 (VCV001361318.10), dbSNP rs2149888486, ClinGen allele CA16028517.
Genomic context (GRCh38, chr5:112,838,866, plus strand): 5'-AAAGTACAACTTATCCTGTTTATACTGAGAGCACTGATGATAAACACCTCAAGTTCCAAC[C>G]ACATTTTGGACAGCAGGAATGTGTTTCTCCATACAGGTCACGGGGAGCCAATGGTTCAGA-3'
Protein context (NP_000029.2, residues 1081-1101): STDDKHLKFQ[Pro1091Arg]HFGQQECVSP